The following is an entry in ClinVar:

ClinVar aggregate classification (germline): Pathogenic (1 of 4 stars; one submission).

Conditions:
Hypotonia, infantile, with psychomotor retardation and characteristic facies 3 (IHPRF3). Also called: TBCK-Related Neurodevelopmental Disorder. Identifiers: Orphanet 488632, MedGen C5567480, MONDO:0014823, OMIM 616900.

Submission:

Undiagnosed Diseases Network, NIH
Classification: Pathogenic for Hypotonia, infantile, with psychomotor retardation and characteristic facies 3. Last evaluated: 2020-02-12. Review status: criteria provided, single submitter. Criteria: ACMG Guidelines, 2015. Collection method: clinical testing. Allele origin: paternal. Inheritance: Autosomal recessive inheritance. Affected: yes. Observed: 1 variant allele, 1 compound heterozygote. Study: Undiagnosed Diseases Network (NIH), UDN.
Comment: This variant was found in compound heterozygous state with NM_001163436.2:c.456-2A>G likely pathogenic variant.

NC_000004.12:g.106168703_106217941del

Gene: TBCK (TBC1 domain containing kinase; minus strand).
Variant type: Deletion.
Identifiers: ClinVar variation 977748 (VCV000977748.3).